The following is an entry in ClinVar:

ClinVar aggregate classification (germline): Uncertain significance. Review status: criteria provided, single submitter (1 of 4 stars). 2 submissions from 2 submitters: Uncertain significance (1). 1 of the submissions does not count toward it. Last evaluated 2014-06-30.

Conditions:
TTN-related disorder. Also called: TTN-related disorders; TTN-related condition; TTN-related disease.

Allele frequency attached by ClinVar (database versions not stated): gnomAD 0.00002 and 0.00003.
gnomAD v4.1: 28 of 1,533,002 alleles (0.0018%); highest among the groups gnomAD compares: African/African-American, 0.031%; 1 homozygote.

Submissions (2):

Laboratory for Molecular Medicine, Mass General Brigham Personalized Medicine
Classification: Uncertain significance. Last evaluated: 2014-06-30. Review status: criteria provided, single submitter. Criteria: LMM Criteria. Collection method: clinical testing. Allele origin: germline. Observed: 1 variant allele.
Comment: The Asp8992Ala variant in TTN has not been previously reported in individuals wi th cardiomyopathy or in large population studies. Computational prediction tools and conservation analysis do not provide strong support for or against an impac t to the protein. In summary, the clinical significance of the Asp8992Ala varian t is uncertain.

PreventionGenetics, part of Exact Sciences
Classification: Uncertain significance for TTN-related condition. Last evaluated: 2023-12-13. Review status: no assertion criteria provided. Collection method: clinical testing. Allele origin: germline. Not counted in ClinVar's aggregate classification.
Comment: The TTN c.30707A>C variant is predicted to result in the amino acid substitution p.Asp10236Ala. To our knowledge, this variant has not been reported in the literature. This variant is reported in 0.012% of alleles in individuals of African descent in gnomAD. At this time, the clinical significance of this variant is uncertain due to the absence of conclusive functional and genetic evidence.

NM_001267550.2(TTN):c.30707A>C (p.Asp10236Ala)

Gene: TTN (titin; minus strand). Cytogenetic location: 2q31.2.
Variant type: single nucleotide variant.
Coding change: c.30707A>C on transcript NM_001267550.2 (MANE Select); coding-DNA position 30707, A replaced by C.
Protein change: p.Asp10236Ala; replaces aspartic acid 10236 with alanine.
Molecular consequence: missense variant. On other transcripts: intron variant (3).
Genome position (GRCh38, 1-based): chr2:178,698,890, T>G on the plus strand (A>C on the coding strand, the complement: TTN is on the minus strand). VCF-style: chr2-178698890-T-G. GRCh37 (hg19) VCF-style: chr2-179563617-T-G.
Other names: c.26975A>C, p.Asp8992Ala (NM_133378.4); c.29756A>C, p.Asp9919Ala (NM_001256850.1); c.13282+39192A>C (NM_003319.4); c.13858+39192A>C (NM_133437.4); c.13657+39192A>C (NM_133432.3); short protein forms D10236A, D8992A, D9919A.
Identifiers: ClinVar variation 179799 (VCV000179799.7), dbSNP rs539986891, ClinGen allele CA185163.